The following is an entry in ClinVar:

NM_152281.3(GORAB):c.492dup (p.Ala165fs)

Gene: GORAB (golgin, RAB6 interacting; plus strand). Cytogenetic location: 1q24.2.
Variant type: Duplication.
Coding change: c.492dup on transcript NM_152281.3 (MANE Select); coding-DNA position 492, one base duplicated (A; older notation c.492dupA).
Protein change: p.Ala165fs; shifts the reading frame from alanine 165.
Molecular consequence: frameshift variant. On other transcripts: non-coding transcript variant (1).
Genome position (GRCh38, 1-based): chr1:170,542,563, A duplicated; the last of 6 consecutive A bases (chr1:170,542,558-170,542,563); duplicating any one gives the same sequence. VCF-style (leftmost placement, unchanged base first): chr1-170542557-T-TA. GRCh37 (hg19) VCF-style: chr1-170511698-T-TA.
Other names: c.492dup, p.Ala165fs (NM_001146039.2); c.27dup, p.Ala10fs (NM_001320252.2); c.441dup, p.Ala148fs (NM_001410894.1); short protein forms A10fs, A165fs, A148fs.
Identifiers: ClinVar variation 2771740 (VCV002771740.3), dbSNP rs772141546, ClinGen allele CA1239138.
Genomic context (GRCh38, chr1:170,542,557, plus strand): 5'-AAAATCTCGTTGGGAAGTCCTCCAACAAGAACAACGGCTAATGGAAGAGAAAAATAAACG[T>TA]AAAAAAGCTCTTTTGGCTAAAGCTATTGCAGAAAGGTGAGGCACCTGAACCAGGAGAGGC-3'

ClinVar aggregate classification (germline): Pathogenic (1 of 4 stars; one submission).

Submission:

Labcorp Genetics (formerly Invitae), Labcorp
Classification: Pathogenic. Last evaluated: 2023-10-25. Review status: criteria provided, single submitter. Criteria: Invitae Variant Classification Sherloc (09022015). Collection method: clinical testing. Allele origin: germline.
Comment: This sequence change creates a premature translational stop signal (p.Ala190Serfs*5) in the GORAB gene. It is expected to result in an absent or disrupted protein product. Loss-of-function variants in GORAB are known to be pathogenic (PMID: 18997784, 19681135). This variant is present in population databases (rs772141546, gnomAD 0.0009%). This variant has not been reported in the literature in individuals affected with GORAB-related conditions. For these reasons, this variant has been classified as Pathogenic.

Literature cited by the submitters: PubMed 18997784; PubMed 19681135.